The following is an entry in ClinVar:

ClinVar aggregate classification (germline): Likely benign (0 of 4 stars; one submission).

Conditions:
SEMA3G-related disorder. Also called: SEMA3G-related condition.

Allele frequency attached by ClinVar (database versions not stated): 1000 Genomes Project 30x 0.00094; 1000 Genomes Project 0.00100; ExAC 0.00169; ESP Exome Variant Server 0.00193.
gnomAD v4.1: 2,686 of 1,593,248 alleles (0.17%); highest among the groups gnomAD compares: Middle Eastern, 0.25%; 5 homozygotes.

Submission:

PreventionGenetics, part of Exact Sciences
Classification: Likely benign for SEMA3G-related condition. Last evaluated: 2022-02-10. Review status: no assertion criteria provided. Collection method: clinical testing. Allele origin: germline.
Comment: This variant is classified as likely benign based on ACMG/AMP sequence variant interpretation guidelines (Richards et al. 2015 PMID: 25741868, with internal and published modifications).

NM_020163.3(SEMA3G):c.505C>T (p.Arg169Trp)

Gene: SEMA3G (semaphorin 3G; minus strand). Cytogenetic location: 3p21.1.
Variant type: single nucleotide variant.
Coding change: c.505C>T on transcript NM_020163.3 (MANE Select); coding-DNA position 505, C replaced by T.
Protein change: p.Arg169Trp; replaces arginine 169 with tryptophan.
Molecular consequence: missense variant.
Genome position (GRCh38, 1-based): chr3:52,441,864, G>A on the plus strand (C>T on the coding strand, the complement: SEMA3G is on the minus strand). VCF-style: chr3-52441864-G-A. GRCh37 (hg19) VCF-style: chr3-52475880-G-A.
Other names: short protein forms R169W.
Identifiers: ClinVar variation 3037829 (VCV003037829.2), dbSNP rs149481070, ClinGen allele CA2438321.